The following is an entry in ClinVar:

NM_145020.5(CFAP53):c.996+1G>C

Gene: CFAP53 (cilia and flagella associated protein 53; minus strand). Cytogenetic location: 18q21.1.
Variant type: single nucleotide variant.
Coding change: c.996+1G>C on transcript NM_145020.5 (MANE Select); the canonical splice donor site of the intron after coding-DNA position 996, G replaced by C.
Molecular consequence: splice donor variant.
Genome position (GRCh38, 1-based): chr18:50,250,757, C>G on the plus strand (G>C on the coding strand, the complement: CFAP53 is on the minus strand). VCF-style: chr18-50250757-C-G. GRCh37 (hg19) VCF-style: chr18-47777127-C-G.
Identifiers: ClinVar variation 4748875 (VCV004748875.1).

ClinVar aggregate classification (germline): Likely pathogenic (1 of 4 stars; one submission).

Conditions:
Heterotaxy, visceral, 6, autosomal (HTX6). Also called: Heterotaxy, visceral, 6, autosomal recessive. Identifiers: Orphanet 450, MedGen C3553676, MONDO:0013887, OMIM 614779.

gnomAD v4.1: 28 of 1,613,458 alleles (0.0017%); highest among the groups gnomAD compares: Non-Finnish European, 0.0019%; no homozygotes.

Submission:

Labcorp Genetics (formerly Invitae), Labcorp
Classification: Likely pathogenic for Heterotaxy, visceral, 6, autosomal. Last evaluated: 2025-02-20. Review status: criteria provided, single submitter. Criteria: Invitae Variant Classification Sherloc (09022015). Collection method: clinical testing. Allele origin: germline.
Comment: This sequence change affects a donor splice site in intron 5 of the CFAP53 gene. It is expected to disrupt RNA splicing. Variants that disrupt the donor or acceptor splice site typically lead to a loss of protein function (PMID: 16199547), and loss-of-function variants in CFAP53 are known to be pathogenic (PMID: 22577226, 25504577, 26531781). This variant is present in population databases (rs201166301, gnomAD 0.0009%). This variant has not been reported in the literature in individuals affected with CFAP53-related conditions. Algorithms developed to predict the effect of sequence changes on RNA splicing suggest that this variant may disrupt the consensus splice site. In summary, the currently available evidence indicates that the variant is pathogenic, but additional data are needed to prove that conclusively. Therefore, this variant has been classified as Likely Pathogenic.

Literature cited by the submitters: PubMed 16199547; PubMed 22577226; PubMed 25504577; PubMed 26531781.